The following is an entry in ClinVar:

NM_144599.5(NIPA1):c.562A>G (p.Ile188Val)

Gene: NIPA1 (NIPA magnesium transporter 1; plus strand). Cytogenetic location: 15q11.2.
Variant type: single nucleotide variant.
Coding change: c.562A>G on transcript NM_144599.5 (MANE Select); coding-DNA position 562, A replaced by G.
Protein change: p.Ile188Val; replaces isoleucine 188 with valine.
Molecular consequence: missense variant.
Genome position (GRCh38, 1-based): chr15:22,823,811, A>G. VCF-style: chr15-22823811-A-G. GRCh37 (hg19) VCF-style: chr15-23049257-T-C.
Other names: p.Ile188Val; c.337A>G, p.Ile113Val (NM_001142275.1); short protein forms I113V, I188V.
Identifiers: ClinVar variation 3380253 (VCV003380253.3).

ClinVar aggregate classification (germline): Uncertain significance. Review status: criteria provided, multiple submitters, no conflicts (2 of 4 stars). 2 submissions from 2 submitters: Uncertain significance (2). Last evaluated 2025-05-27.

Conditions:
Hereditary spastic paraplegia 6 (SPG6). Also called: SPASTIC PARAPLEGIA 6, AUTOSOMAL DOMINANT. Identifiers: Orphanet 100988, MedGen C1838192, MONDO:0010878, OMIM 600363.

gnomAD v4.1: 10 of 1,613,982 alleles (0.00062%); highest among the groups gnomAD compares: Non-Finnish European, 0.00085%; no homozygotes.

Submissions (2):

Labcorp Genetics (formerly Invitae), Labcorp
Classification: Uncertain significance for Hereditary spastic paraplegia 6. Last evaluated: 2025-05-27. Review status: criteria provided, single submitter. Criteria: Invitae Variant Classification Sherloc (09022015). Collection method: clinical testing. Allele origin: germline.
Comment: This sequence change replaces isoleucine, which is neutral and non-polar, with valine, which is neutral and non-polar, at codon 188 of the NIPA1 protein (p.Ile188Val). This variant is present in population databases (rs755365260, gnomAD 0.003%). This variant has not been reported in the literature in individuals affected with NIPA1-related conditions. ClinVar contains an entry for this variant (Variation ID: 3380253). Invitae Evidence Modeling of protein sequence and biophysical properties (such as structural, functional, and spatial information, amino acid conservation, physicochemical variation, residue mobility, and thermodynamic stability) indicates that this missense variant is not expected to disrupt NIPA1 protein function with a negative predictive value of 80%. In summary, the available evidence is currently insufficient to determine the role of this variant in disease. Therefore, it has been classified as a Variant of Uncertain Significance.

Mayo Clinic Laboratories, Mayo Clinic
Classification: Uncertain significance. Last evaluated: 2024-05-02. Review status: criteria provided, single submitter. Criteria: ACMG Guidelines, 2015. Collection method: clinical testing. Allele origin: germline. Observed: 1 variant allele.
Comment: PM2